The following is an entry in ClinVar:

ClinVar aggregate classification (germline): Uncertain significance. Review status: criteria provided, multiple submitters, no conflicts (2 of 4 stars). 2 submissions from 2 submitters: Uncertain significance (2). Last evaluated 2023-10-01.

Conditions:
Hereditary cancer-predisposing syndrome. Also called: Tumor predisposition; Hereditary Cancer Syndrome; Hereditary neoplastic syndrome; Neoplastic Syndromes, Hereditary. Identifiers: Orphanet 140162, MedGen C0027672, MeSH D009386, MONDO:0015356.
Hereditary pheochromocytoma and paraganglioma. Also called: Hereditary paragangliomas and pheochromocytomas; Hereditary Paraganglioma-Pheochromocytoma Syndromes; Hereditary pheochromocytoma-paraganglioma. Identifiers: Orphanet 29072, MedGen C4274332, MONDO:0017366.

Submissions (2):

Ambry Genetics
Classification: Uncertain significance for Hereditary cancer-predisposing syndrome. Last evaluated: 2023-10-01. Review status: criteria provided, single submitter. Criteria: Ambry Variant Classification Scheme 2023. Collection method: clinical testing. Allele origin: germline.
Comment: The p.L112R variant (also known as c.335T>G), located in coding exon 2 of the TMEM127 gene, results from a T to G substitution at nucleotide position 335. The leucine at codon 112 is replaced by arginine, an amino acid with dissimilar properties. This amino acid position is conserved. In addition, this alteration is predicted to be deleterious by in silico analysis. Since supporting evidence is limited at this time, the clinical significance of this alteration remains unclear.

Labcorp Genetics (formerly Invitae), Labcorp
Classification: Uncertain significance for Hereditary pheochromocytoma and paraganglioma. Last evaluated: 2022-02-08. Review status: criteria provided, single submitter. Criteria: Invitae Variant Classification Sherloc (09022015). Collection method: clinical testing. Allele origin: germline.
Comment: This sequence change replaces leucine, which is neutral and non-polar, with arginine, which is basic and polar, at codon 112 of the TMEM127 protein (p.Leu112Arg). This variant is not present in population databases (gnomAD no frequency). This variant has not been reported in the literature in individuals affected with TMEM127-related conditions. Algorithms developed to predict the effect of missense changes on protein structure and function (SIFT, PolyPhen-2, Align-GVGD) all suggest that this variant is likely to be disruptive. In summary, the available evidence is currently insufficient to determine the role of this variant in disease. Therefore, it has been classified as a Variant of Uncertain Significance.

NM_017849.4(TMEM127):c.335T>G (p.Leu112Arg)

Gene: TMEM127 (transmembrane protein 127; minus strand). Cytogenetic location: 2q11.2.
Variant type: single nucleotide variant.
Coding change: c.335T>G on transcript NM_017849.4 (MANE Select); coding-DNA position 335, T replaced by G.
Protein change: p.Leu112Arg; replaces leucine 112 with arginine.
Molecular consequence: missense variant.
Genome position (GRCh38, 1-based): chr2:96,254,907, A>C on the plus strand (T>G on the coding strand, the complement: TMEM127 is on the minus strand). VCF-style: chr2-96254907-A-C. GRCh37 (hg19) VCF-style: chr2-96920645-A-C.
Other names: c.335T>G, p.Leu112Arg (NM_001193304.3); c.335T>G (NM_017849.3); short protein forms L112R.
Identifiers: ClinVar variation 1499282 (VCV001499282.4), dbSNP rs1684170958, ClinGen allele CA347653414.
Genomic context (GRCh38, chr2:96,254,907, plus strand): 5'-GCGAAGGCATAGCGACGAGTGATCTTCAGAGCAGGATGCTTCGGCCCAAAGACATCCAGA[A>C]GGAAAGCGGAGAGACTACACAGGATGCCCAGGAAACAGAAGGCGGCGATGACCCGCAGGA-3'
Protein context (NP_060319.1, residues 102-122): LGILCSLSAF[Leu112Arg]LDVFGPKHPA